The following is an entry in ClinVar:

NC_000017.10:g.(?_56798097)_(56801482_?)dup

Gene: RAD51C (RAD51 paralog C; plus strand). Cytogenetic location: 17q22.
Variant type: Duplication.
Identifiers: ClinVar variation 3243091 (VCV003243091.1).

ClinVar aggregate classification (germline): Likely pathogenic (1 of 4 stars; one submission).

Conditions:
Fanconi anemia complementation group O. Also called: RAD51C-Related Fanconi Anemia. Identifiers: Orphanet 84, MedGen C3150653, MONDO:0013248, OMIM 613390.

Submission:

Labcorp Genetics (formerly Invitae), Labcorp
Classification: Likely pathogenic for Fanconi anemia complementation group O. Last evaluated: 2023-09-06. Review status: criteria provided, single submitter. Criteria: Invitae Variant Classification Sherloc (09022015). Collection method: clinical testing. Allele origin: unknown.
Comment: This variant results in a copy number gain of the genomic region encompassing exon(s) 6-7 of the RAD51C gene. While the exact position of this variant cannot be determined from the data, sub-genic copy number gains are generally in tandem (PMID: 25640679). This variant is predicted to be out-of-frame, and may result in an absent or disrupted protein product. Loss-of-function variants in RAD51C are known to be pathogenic (PMID: 20400964, 21990120, 24800917, 29278735). This variant has not been reported in the literature in individuals affected with RAD51C-related conditions. In summary, the currently available evidence indicates that the variant is pathogenic, but additional data are needed to prove that conclusively. Therefore, this variant has been classified as Likely Pathogenic.

Literature cited by the submitters: PubMed 25640679; PubMed 20400964; PubMed 21990120; PubMed 24800917; PubMed 29278735.